The following is an entry in ClinVar:

NM_004168.4(SDHA):c.1524A>G (p.Thr508=)

Gene: SDHA (succinate dehydrogenase complex flavoprotein subunit A; plus strand). Cytogenetic location: 5p15.33.
Variant type: single nucleotide variant.
Coding change: c.1524A>G on transcript NM_004168.4 (MANE Select); coding-DNA position 1524, A replaced by G.
Protein change: p.Thr508=; no amino-acid change (threonine 508 retained).
Molecular consequence: synonymous variant.
Genome position (GRCh38, 1-based): chr5:240,449, A>G. VCF-style: chr5-240449-A-G. GRCh37 (hg19) VCF-style: chr5-240564-A-G.
Other names: c.1380A>G, p.Thr460= (NM_001294332.2); c.1524A>G, p.Thr508= (NM_001330758.2).
Identifiers: ClinVar variation 472338 (VCV000472338.16), dbSNP rs1356814435, ClinGen allele CA442692244.

ClinVar aggregate classification (germline): Benign/Likely benign. Review status: criteria provided, multiple submitters, no conflicts (2 of 4 stars). 4 submissions from 4 submitters: Benign (1); Likely benign (3). Last evaluated 2025-10-31.

Conditions:
Pheochromocytoma/paraganglioma syndrome 5. Also called: Paragangliomas 5; SDHA-Related Hereditary Paraganglioma-Pheochromocytoma Syndrome. Identifiers: Orphanet 29072, MedGen C3279992, MONDO:0013602, OMIM 614165.
Mitochondrial complex II deficiency, nuclear type 1. Also called: SUCCINATE CoQ REDUCTASE DEFICIENCY. Identifiers: Orphanet 3208, MedGen C5700310, MONDO:0100294, OMIM 252011.
Dilated cardiomyopathy 1GG (CMD1GG). Identifiers: Orphanet 154, MedGen C3150898, MONDO:0013339, OMIM 613642.
Neurodegeneration with ataxia and late-onset optic atrophy. Identifiers: MedGen C5543254, MONDO:0031006, OMIM 619259.
Hereditary cancer-predisposing syndrome. Also called: Neoplastic Syndromes, Hereditary; Hereditary Cancer Syndrome; Hereditary neoplastic syndrome; Tumor predisposition. Identifiers: Orphanet 140162, MedGen C0027672, MeSH D009386, MONDO:0015356.

Allele frequency attached by ClinVar (database versions not stated): gnomAD 0.00001; gnomAD exomes 0.00001; TOPMed 0.00001.

Submissions (4):

Labcorp Genetics (formerly Invitae), Labcorp
Classification: Likely benign for Pheochromocytoma/paraganglioma syndrome 5; Mitochondrial complex II deficiency, nuclear type 1. Last evaluated: 2025-10-31. Review status: criteria provided, single submitter. Criteria: Invitae Variant Classification Sherloc (09022015). Collection method: clinical testing. Allele origin: germline.

Myriad Genetics, Inc.
Classification: Benign for Pheochromocytoma/paraganglioma syndrome 5. Last evaluated: 2025-03-10. Review status: criteria provided, single submitter. Criteria: Myriad Autosomal Dominant, Autosomal Recessive and X-Linked Classification Criteria (2023). Collection method: clinical testing. Allele origin: unknown.
Comment: This variant is considered benign. This variant is a silent/synonymous amino acid change and it is not expected to impact splicing.

Department of Pathology and Laboratory Medicine, Sinai Health System
Classification: Likely benign for Mitochondrial complex II deficiency, nuclear type 1; Dilated cardiomyopathy 1GG; Pheochromocytoma/paraganglioma syndrome 5; Neurodegeneration with ataxia and late-onset optic atrophy. Last evaluated: 2023-07-12. Review status: criteria provided, single submitter. Criteria: ACMG Guidelines, 2015. Collection method: clinical testing. Allele origin: germline. Affected: yes.

Ambry Genetics
Classification: Likely benign for Hereditary cancer-predisposing syndrome. Last evaluated: 2020-06-03. Review status: criteria provided, single submitter. Criteria: Ambry Variant Classification Scheme 2023. Collection method: clinical testing. Allele origin: germline.